The following is an entry in ClinVar:

NM_000051.4(ATM):c.4988del (p.Gly1663fs)

Gene: ATM (ATM serine/threonine kinase; plus strand). Cytogenetic location: 11q22.3.
Variant type: Deletion.
Coding change: c.4988del on transcript NM_000051.4 (MANE Select); coding-DNA position 4988, one base deleted (G; older notation c.4988delG).
Protein change: p.Gly1663fs; shifts the reading frame from glycine 1663.
Molecular consequence: frameshift variant.
Genome position (GRCh38, 1-based): chr11:108,297,365, G deleted; the last of 2 consecutive G bases (chr11:108,297,364-108,297,365); deleting either gives the same sequence. VCF-style (leftmost placement, unchanged base first): chr11-108297363-TG-T. GRCh37 (hg19) VCF-style: chr11-108168090-TG-T.
Other names: c.4988del, p.Gly1663fs (NM_001351834.2); c.4988delG (NM_000051.3); short protein forms G1663fs.
Identifiers: ClinVar variation 573471 (VCV000573471.6), dbSNP rs1565470139, ClinGen allele CA891842927.

ClinVar aggregate classification (germline): Pathogenic (1 of 4 stars; one submission).

Conditions:
Ataxia-telangiectasia syndrome (AT). Also called: AT, COMPLEMENTATION GROUP C; Cerebello-oculocutaneous telangiectasia; Immunodeficiency with ataxia telangiectasia; Ataxia-telangiectasia, complementation group D; ATAXIA-TELANGIECTASIA, FRESNO VARIANT; Ataxia-telangiectasia, complementation group E. Identifiers: Orphanet 100, MedGen C0004135, MONDO:0008840, OMIM 208900.

Submission:

Labcorp Genetics (formerly Invitae), Labcorp
Classification: Pathogenic for Ataxia-telangiectasia syndrome. Last evaluated: 2018-06-26. Review status: criteria provided, single submitter. Criteria: Invitae Variant Classification Sherloc (09022015). Collection method: clinical testing. Allele origin: germline.
Comment: For these reasons, this variant has been classified as Pathogenic. Loss-of-function variants in ATM are known to be pathogenic (PMID: 23807571, 25614872). This variant has not been reported in the literature in individuals with ATM-related disease. This variant is not present in population databases (ExAC no frequency). This sequence change creates a premature translational stop signal (p.Gly1663Valfs*6) in the ATM gene. It is expected to result in an absent or disrupted protein product.

Literature cited by the submitters: PubMed 23807571; PubMed 25614872.